The following is an entry in ClinVar:

NM_003119.4(SPG7):c.1553-6T>G

Gene: SPG7 (SPG7 matrix AAA peptidase subunit, paraplegin; plus strand). Cytogenetic location: 16q24.3.
Variant type: single nucleotide variant.
Coding change: c.1553-6T>G on transcript NM_003119.4 (MANE Select); 6 bases into the intron before coding-DNA position 1553, T replaced by G.
Molecular consequence: intron variant.
Genome position (GRCh38, 1-based): chr16:89,547,997, T>G. VCF-style: chr16-89547997-T-G. GRCh37 (hg19) VCF-style: chr16-89614405-T-G.
Other names: c.1553-6T>G (NM_001363850.1, NM_003119.3).
Identifiers: ClinVar variation 390689 (VCV000390689.3), dbSNP rs778948827, ClinGen allele CA8244262.

ClinVar aggregate classification (germline): Likely benign. Review status: criteria provided, single submitter (1 of 4 stars). 2 submissions from 2 submitters: Likely benign (1). 1 of the submissions does not count toward it. Last evaluated 2016-12-02.

Conditions:
SPG7-related disorder. Also called: SPG7-related condition.

Allele frequency attached by ClinVar (database versions not stated): ExAC 0.00001; gnomAD exomes 0.00001; TOPMed 0.00001; gnomAD 0.00003 and 0.00004.
gnomAD v4.1: 21 of 1,611,730 alleles (0.0013%); highest among the groups gnomAD compares: African/African-American, 0.0027%; no homozygotes.

Submissions (2):

GeneDx
Classification: Likely benign. Last evaluated: 2016-12-02. Review status: criteria provided, single submitter. Criteria: GeneDx Variant Classification (06012015). Collection method: clinical testing. Allele origin: germline. Affected: yes.
Comment: This variant is considered likely benign or benign based on one or more of the following criteria: it is a conservative change, it occurs at a poorly conserved position in the protein, it is predicted to be benign by multiple in silico algorithms, and/or has population frequency not consistent with disease.

PreventionGenetics, part of Exact Sciences
Classification: Likely benign for SPG7-related condition. Last evaluated: 2020-10-21. Review status: no assertion criteria provided. Collection method: clinical testing. Allele origin: germline. Not counted in ClinVar's aggregate classification.
Comment: This variant is classified as likely benign based on ACMG/AMP sequence variant interpretation guidelines (Richards et al. 2015 PMID: 25741868, with internal and published modifications).